The following is an entry in ClinVar:

NM_001711.6(BGN):c.398C>T (p.Ala133Val)

Gene: BGN (biglycan; plus strand). Cytogenetic location: Xq28.
Variant type: single nucleotide variant.
Coding change: c.398C>T on transcript NM_001711.6 (MANE Select); coding-DNA position 398, C replaced by T.
Protein change: p.Ala133Val; replaces alanine 133 with valine.
Molecular consequence: missense variant.
Genome position (GRCh38, 1-based): chrX:153,505,909, C>T. VCF-style: chrX-153505909-C-T. GRCh37 (hg19) VCF-style: chrX-152771367-C-T.
Other names: short protein forms A133V.
Identifiers: ClinVar variation 1380673 (VCV001380673.6), dbSNP rs2124236266, ClinGen allele CA415069330.

ClinVar aggregate classification (germline): Uncertain significance (1 of 4 stars; one submission).

Submission:

Labcorp Genetics (formerly Invitae), Labcorp
Classification: Uncertain significance. Last evaluated: 2025-11-24. Review status: criteria provided, single submitter. Criteria: Invitae Variant Classification Sherloc (09022015). Collection method: clinical testing. Allele origin: germline.
Comment: This sequence change replaces alanine with valine at codon 133 of the BGN protein (p.Ala133Val). The alanine residue is highly conserved and there is a small physicochemical difference between alanine and valine. This variant is not present in population databases (gnomAD no frequency). This variant has not been reported in the literature in individuals affected with BGN-related conditions. ClinVar contains an entry for this variant (Variation ID: 1380673). Invitae Evidence Modeling of protein sequence and biophysical properties (such as structural, functional, and spatial information, amino acid conservation, physicochemical variation, residue mobility, and thermodynamic stability) indicates that this missense variant is not expected to disrupt BGN protein function with a negative predictive value of 80%. In summary, the available evidence is currently insufficient to determine the role of this variant in disease. Therefore, it has been classified as a Variant of Uncertain Significance.